The following is an entry in ClinVar:

NM_001365999.1(SZT2):c.169G>A (p.Glu57Lys)

Gene: SZT2 (SZT2 subunit of KICSTOR complex; plus strand). Cytogenetic location: 1p34.2.
Variant type: single nucleotide variant.
Coding change: c.169G>A on transcript NM_001365999.1 (MANE Select); coding-DNA position 169, G replaced by A.
Protein change: p.Glu57Lys; replaces glutamic acid 57 with lysine.
Molecular consequence: missense variant.
Genome position (GRCh38, 1-based): chr1:43,403,616, G>A. VCF-style: chr1-43403616-G-A. GRCh37 (hg19) VCF-style: chr1-43869287-G-A.
Other names: c.169G>A, p.Glu57Lys (NM_015284.4); short protein forms E57K.
Identifiers: ClinVar variation 1022887 (VCV001022887.7), dbSNP rs985279114, ClinGen allele CA21621358.

ClinVar aggregate classification (germline): Uncertain significance (1 of 4 stars; one submission).

Allele frequency attached by ClinVar (database versions not stated): gnomAD exomes below 0.00001; gnomAD 0.00001.
gnomAD v4.1: 7 of 1,613,302 alleles (0.00043%); highest among the groups gnomAD compares: African/African-American, 0.0013%; no homozygotes.

Submission:

Labcorp Genetics (formerly Invitae), Labcorp
Classification: Uncertain significance. Last evaluated: 2022-07-19. Review status: criteria provided, single submitter. Criteria: Invitae Variant Classification Sherloc (09022015). Collection method: clinical testing. Allele origin: germline.
Comment: This sequence change replaces glutamic acid, which is acidic and polar, with lysine, which is basic and polar, at codon 57 of the SZT2 protein (p.Glu57Lys). This variant is present in population databases (no rsID available, gnomAD 0.0009%). This variant has not been reported in the literature in individuals affected with SZT2-related conditions. ClinVar contains an entry for this variant (Variation ID: 1022887). Algorithms developed to predict the effect of missense changes on protein structure and function are either unavailable or do not agree on the potential impact of this missense change (SIFT: "Deleterious"; PolyPhen-2: "Probably Damaging"; Align-GVGD: "Class C0"). In summary, the available evidence is currently insufficient to determine the role of this variant in disease. Therefore, it has been classified as a Variant of Uncertain Significance.